The following is an entry in ClinVar:

ClinVar aggregate classification (germline): Uncertain significance (1 of 4 stars; one submission).

Conditions:
Hypertrophic cardiomyopathy. Also called: HYPERTROPHIC MYOCARDIOPATHY. Identifiers: Orphanet 217569, MedGen C0007194, MeSH D002312, MONDO:0005045, HP:0001639.

Submission:

Labcorp Genetics (formerly Invitae), Labcorp
Classification: Uncertain significance for Hypertrophic cardiomyopathy. Last evaluated: 2023-09-18. Review status: criteria provided, single submitter. Criteria: Invitae Variant Classification Sherloc (09022015). Collection method: clinical testing. Allele origin: germline.
Comment: This sequence change creates a premature translational stop signal (p.Gln1215*) in the MYH7 gene. It is expected to result in an absent or disrupted protein product. However, the current clinical and genetic evidence is not sufficient to establish whether loss-of-function variants in MYH7 cause disease. This variant is not present in population databases (gnomAD no frequency). This variant has not been reported in the literature in individuals affected with MYH7-related conditions. In summary, the available evidence is currently insufficient to determine the role of this variant in disease. Therefore, it has been classified as a Variant of Uncertain Significance.

NM_000257.4(MYH7):c.3643C>T (p.Gln1215Ter)

Gene: MYH7 (myosin heavy chain 7; minus strand). Cytogenetic location: 14q11.2.
Variant type: single nucleotide variant.
Coding change: c.3643C>T on transcript NM_000257.4 (MANE Select); coding-DNA position 3643, C replaced by T.
Protein change: p.Gln1215Ter; replaces glutamine 1215 with a stop codon.
Molecular consequence: nonsense.
Genome position (GRCh38, 1-based): chr14:23,419,928, G>A on the plus strand (C>T on the coding strand, the complement: MYH7 is on the minus strand). VCF-style: chr14-23419928-G-A. GRCh37 (hg19) VCF-style: chr14-23889137-G-A.
Other names: c.3643C>T, p.Gln1215Ter (NM_001407004.1); short protein forms Q1215*.
Identifiers: ClinVar variation 2761700 (VCV002761700.3), dbSNP rs2138653564, ClinGen allele CA389043193.
Genomic context (GRCh38, chr14:23,419,928, plus strand): 5'-TGTTGGAGGTGACGTCATCCAGCTCCAGCTTGAACTCGCTCTTCTCCTTCTCCAGCTTCT[G>A]CTTCACCCGCTGCAGGTTGTCGATCTGCTCGCCCAGCTCGGCCACGCTGTCGGCGTGCTT-3'